The following is an entry in ClinVar:

NM_002295.6(RPSA):c.670A>G (p.Lys224Glu)

Gene: RPSA (ribosomal protein SA; plus strand). Cytogenetic location: 3p22.1.
Variant type: single nucleotide variant.
Coding change: c.670A>G on transcript NM_002295.6 (MANE Select); coding-DNA position 670, A replaced by G.
Protein change: p.Lys224Glu; replaces lysine 224 with glutamic acid.
Molecular consequence: missense variant.
Genome position (GRCh38, 1-based): chr3:39,411,938, A>G. VCF-style: chr3-39411938-A-G. GRCh37 (hg19) VCF-style: chr3-39453429-A-G.
Other names: c.685A>G, p.Lys229Glu (NM_001304288.2); short protein forms K224E, K229E.
Identifiers: ClinVar variation 3709074 (VCV003709074.2).

ClinVar aggregate classification (germline): Uncertain significance (1 of 4 stars; one submission).

Submission:

Labcorp Genetics (formerly Invitae), Labcorp
Classification: Uncertain significance. Last evaluated: 2024-09-14. Review status: criteria provided, single submitter. Criteria: Invitae Variant Classification Sherloc (09022015). Collection method: clinical testing. Allele origin: germline.
Comment: This sequence change replaces lysine, which is basic and polar, with glutamic acid, which is acidic and polar, at codon 224 of the RPSA protein (p.Lys224Glu). This variant is not present in population databases (gnomAD no frequency). This variant has not been reported in the literature in individuals affected with RPSA-related conditions. Invitae Evidence Modeling of protein sequence and biophysical properties (such as structural, functional, and spatial information, amino acid conservation, physicochemical variation, residue mobility, and thermodynamic stability) indicates that this missense variant is not expected to disrupt RPSA protein function with a negative predictive value of 80%. In summary, the available evidence is currently insufficient to determine the role of this variant in disease. Therefore, it has been classified as a Variant of Uncertain Significance.